The following is an entry in ClinVar:

NM_032043.3(BRIP1):c.1908G>A (p.Glu636=)

Gene: BRIP1 (BRCA1 interacting DNA helicase 1; minus strand). Cytogenetic location: 17q23.2.
Variant type: single nucleotide variant.
Coding change: c.1908G>A on transcript NM_032043.3 (MANE Select); coding-DNA position 1908, G replaced by A.
Protein change: p.Glu636=; no amino-acid change (glutamic acid 636 retained).
Molecular consequence: synonymous variant.
Genome position (GRCh38, 1-based): chr17:61,780,288, C>T on the plus strand (G>A on the coding strand, the complement: BRIP1 is on the minus strand). VCF-style: chr17-61780288-C-T. GRCh37 (hg19) VCF-style: chr17-59857649-C-T.
Identifiers: ClinVar variation 530372 (VCV000530372.14), dbSNP rs1555602134, ClinGen allele CA501150305.
Genomic context (GRCh38, chr17:61,780,288, plus strand): 5'-GAAGGCCTTCCAAAAAAAAAAACAACAACTAACCTGTGAATTTTTAATGATATGATTAGC[C>T]TCCAGCTGGATAGTAAATGTAACACCAAGTTCTGACGAAAAGGATTTCATTGGTGATAAT-3'
Protein context (NP_114432.2, residues 626-646): ELGVTFTIQL[Glu636=]ANHIIKNSQV

ClinVar aggregate classification (germline): Benign/Likely benign. Review status: criteria provided, multiple submitters, no conflicts (2 of 4 stars). 3 submissions from 3 submitters: Benign (1); Likely benign (2). Last evaluated 2026-01-07.

Conditions:
Fanconi anemia complementation group J. Also called: BRIP1-Related Fanconi Anemia. Identifiers: Orphanet 84, MedGen C1836860, MONDO:0012187, OMIM 609054.
Familial cancer of breast. Also called: BREAST CANCER, FAMILIAL; hereditary breast carcinoma; Hereditary breast cancer. Identifiers: Orphanet 227535, MedGen C0346153, MONDO:0016419, OMIM 114480. Disease mechanism: loss of function.
Hereditary cancer-predisposing syndrome. Also called: Neoplastic Syndromes, Hereditary; Hereditary neoplastic syndrome; Tumor predisposition; Hereditary Cancer Syndrome. Identifiers: Orphanet 140162, MedGen C0027672, MeSH D009386, MONDO:0015356.

Submissions (3):

Labcorp Genetics (formerly Invitae), Labcorp
Classification: Likely benign for Familial cancer of breast; Fanconi anemia complementation group J. Last evaluated: 2026-01-07. Review status: criteria provided, single submitter. Criteria: Invitae Variant Classification Sherloc (09022015). Collection method: clinical testing. Allele origin: germline.

Myriad Genetics, Inc.
Classification: Benign for Familial cancer of breast. Last evaluated: 2024-08-30. Review status: criteria provided, single submitter. Criteria: Myriad Autosomal Dominant, Autosomal Recessive and X-Linked Classification Criteria (2023). Collection method: clinical testing. Allele origin: unknown.
Comment: This variant is considered benign. This variant is a silent/synonymous amino acid change and it is not expected to impact splicing.

Ambry Genetics
Classification: Likely benign for Hereditary cancer-predisposing syndrome. Last evaluated: 2021-04-26. Review status: criteria provided, single submitter. Criteria: Ambry Variant Classification Scheme 2023. Collection method: clinical testing. Allele origin: germline.